The following is an entry in ClinVar:

ClinVar aggregate classification (germline): Likely pathogenic (1 of 4 stars; one submission).

Conditions:
Neurodevelopmental disorder with progressive spasticity and brain white matter abnormalities. Also called: CEREBRAL PALSY, SPASTIC QUADRIPLEGIC, 1. Identifiers: Orphanet 210141, Orphanet 641353, MedGen C5436628, MONDO:0033613, OMIM 619026.

Submission:

Labcorp Genetics (formerly Invitae), Labcorp
Classification: Likely pathogenic for Neurodevelopmental disorder with progressive spasticity and brain white matter abnormalities. Last evaluated: 2025-08-24. Review status: criteria provided, single submitter. Criteria: Invitae Variant Classification Sherloc (09022015). Collection method: clinical testing. Allele origin: germline.
Comment: This variant results in the deletion of part of exon 14 (c.1264-350_1289delins24) of the GAD1 gene. It is expected to disrupt RNA splicing. Variants that disrupt the donor or acceptor splice site typically lead to a loss of protein function (PMID: 16199547), and loss-of-function variants in GAD1 are known to be pathogenic (PMID: 32282878, 32705143). This variant is not present in population databases (gnomAD no frequency). This variant has not been reported in the literature in individuals affected with GAD1-related conditions. In summary, the currently available evidence indicates that the variant is pathogenic, but additional data are needed to prove that conclusively. Therefore, this variant has been classified as Likely Pathogenic.

Literature cited by the submitters: PubMed 16199547; PubMed 32282878; PubMed 32705143.

NM_000817.3(GAD1):c.1264-350_1289delinsGAGGTATCCAGCACATCCTGGCTG

Gene: GAD1 (glutamate decarboxylase 1; plus strand). Cytogenetic location: 2q31.1.
Variant type: Indel.
Coding change: c.1264-350_1289delinsGAGGTATCCAGCACATCCTGGCTG on transcript NM_000817.3 (MANE Select); 350 bases into the intron before coding-DNA position 1264 through coding-DNA position 1289, the reference bases replaced by GAGGTATCCAGCACATCCTGGCTG.
Molecular consequence: splice acceptor variant.
Genome position (GRCh38, 1-based): chr2:170,853,523-170,853,898, 376 bases replaced. GRCh37 (hg19): chr2:171,710,033-171,710,408.
Identifiers: ClinVar variation 4725966 (VCV004725966.1).